The following is an entry in ClinVar:

ClinVar aggregate classification (germline): Pathogenic (1 of 4 stars; one submission).

Submission:

Labcorp Genetics (formerly Invitae), Labcorp
Classification: Pathogenic. Last evaluated: 2024-10-12. Review status: criteria provided, single submitter. Criteria: Invitae Variant Classification Sherloc (09022015). Collection method: clinical testing. Allele origin: germline.
Comment: This sequence change creates a premature translational stop signal (p.Asn316Metfs*5) in the PCARE gene. It is expected to result in an absent or disrupted protein product. Loss-of-function variants in PCARE are known to be pathogenic (PMID: 20398886, 24339724, 26496393). This variant is not present in population databases (gnomAD no frequency). This variant has not been reported in the literature in individuals affected with PCARE-related conditions. For these reasons, this variant has been classified as Pathogenic.

Literature cited by the submitters: PubMed 20398886; PubMed 24339724; PubMed 26496393.

NM_001029883.3(PCARE):c.947_953del (p.Asn316fs)

Gene: PCARE (photoreceptor cilium actin regulator; minus strand). Cytogenetic location: 2p23.2.
Variant type: Deletion.
Coding change: c.947_953del on transcript NM_001029883.3 (MANE Select); coding-DNA positions 947 to 953, 7 bases deleted (ATGTGGA; older notation c.947_953delATGTGGA).
Protein change: p.Asn316fs; shifts the reading frame from asparagine 316.
Molecular consequence: frameshift variant.
Genome position (GRCh38, 1-based): chr2:29,073,309-29,073,315, TCCACAT deleted on the plus strand (ATGTGGA on the coding strand, the reverse complement: PCARE is on the minus strand); deleting any 7 consecutive bases within chr2:29,073,309-29,073,318 gives the same sequence; the c. name uses the placement nearest the transcript's 3' end. VCF-style (leftmost placement, unchanged base first): chr2-29073308-ATCCACAT-A. GRCh37 (hg19) VCF-style: chr2-29296174-ATCCACAT-A.
Other names: short protein forms N316fs.
Identifiers: ClinVar variation 3671711 (VCV003671711.2).